The following is an entry in ClinVar:

ClinVar aggregate classification (germline): Uncertain significance (1 of 4 stars; one submission).

Conditions:
Epileptic encephalopathy. Identifiers: MedGen C0543888, HP:0200134.

Allele frequency attached by ClinVar (database versions not stated): gnomAD exomes below 0.00001; ExAC 0.00001.
gnomAD v4.1: 4 of 1,605,544 alleles (0.00025%); highest among the groups gnomAD compares: South Asian, 0.0011%; no homozygotes.

Submission:

Labcorp Genetics (formerly Invitae), Labcorp
Classification: Uncertain significance for Epileptic encephalopathy. Last evaluated: 2024-06-17. Review status: criteria provided, single submitter. Criteria: Invitae Variant Classification Sherloc (09022015). Collection method: clinical testing. Allele origin: germline.
Comment: This sequence change replaces arginine, which is basic and polar, with histidine, which is basic and polar, at codon 316 of the FASN protein (p.Arg316His). The frequency data for this variant in the population databases is considered unreliable, as metrics indicate poor data quality at this position in the gnomAD database. This variant has not been reported in the literature in individuals affected with FASN-related conditions. ClinVar contains an entry for this variant (Variation ID: 2201798). An algorithm developed to predict the effect of missense changes on protein structure and function (PolyPhen-2) suggests that this variant is likely to be disruptive. In summary, the available evidence is currently insufficient to determine the role of this variant in disease. Therefore, it has been classified as a Variant of Uncertain Significance.

NM_004104.5(FASN):c.947G>A (p.Arg316His)

Gene: FASN (fatty acid synthase; minus strand). Cytogenetic location: 17q25.3.
Variant type: single nucleotide variant.
Coding change: c.947G>A on transcript NM_004104.5 (MANE Select); coding-DNA position 947, G replaced by A.
Protein change: p.Arg316His; replaces arginine 316 with histidine.
Molecular consequence: missense variant.
Genome position (GRCh38, 1-based): chr17:82,092,537, C>T on the plus strand (G>A on the coding strand, the complement: FASN is on the minus strand). VCF-style: chr17-82092537-C-T. GRCh37 (hg19) VCF-style: chr17-80050413-C-T.
Other names: short protein forms R316H.
Identifiers: ClinVar variation 2201798 (VCV002201798.4), dbSNP rs748875772, ClinGen allele CA8853291.